The following is an entry in ClinVar:

NM_024334.3(TMEM43):c.257G>A (p.Gly86Glu)

Gene: TMEM43 (transmembrane protein 43; plus strand). Cytogenetic location: 3p25.1.
Variant type: single nucleotide variant.
Coding change: c.257G>A on transcript NM_024334.3 (MANE Select); coding-DNA position 257, G replaced by A.
Protein change: p.Gly86Glu; replaces glycine 86 with glutamic acid.
Molecular consequence: missense variant.
Genome position (GRCh38, 1-based): chr3:14,130,916, G>A. VCF-style: chr3-14130916-G-A. GRCh37 (hg19) VCF-style: chr3-14172416-G-A.
Other names: short protein forms G86E.
Identifiers: ClinVar variation 918914 (VCV000918914.14), dbSNP rs771454768, ClinGen allele CA052397.
Genomic context (GRCh38, chr3:14,130,916, plus strand): 5'-AGGGGCTCTCGCTTGTGGTGTCTCCCGACAGCATCCACAGTGTGGCTCCGGAGAATGAAG[G>A]AAGGCTGGTGCACATCATTGGCGCCTTACGGACATCCAAGGTAGGTTTGGCAGGGGATGC-3'
Protein context (NP_077310.1, residues 76-96): SIHSVAPENE[Gly86Glu]RLVHIIGALR

ClinVar aggregate classification (germline): Uncertain significance. Review status: criteria provided, multiple submitters, no conflicts (2 of 4 stars). 6 submissions from 6 submitters: Uncertain significance (6). Last evaluated 2025-05-13.

Conditions:
Arrhythmogenic right ventricular dysplasia 5. Also called: Arrhythmogenic Right Ventricular Dysplasia/Cardiomyopathy 5; ARRHYTHMOGENIC RIGHT VENTRICULAR DYSPLASIA, FAMILIAL, 5. Identifiers: MedGen C1858379, MONDO:0011459, OMIM 604400.
Auditory neuropathy, autosomal dominant 3 (AUNA3). Identifiers: MedGen C5676964, MONDO:0859235, OMIM 619832.
Emery-Dreifuss muscular dystrophy 7, autosomal dominant (EDMD7). Also called: Emery-Dreifuss muscular dystrophy 7, AD. Identifiers: Orphanet 261, MedGen C3553060, MONDO:0013677, OMIM 614302.
Cardiomyopathy (CMYO). Also called: Cardiomyopathies. Identifiers: Orphanet 167848, MedGen C0878544, MONDO:0004994, HP:0001638. Inheritance: Various modes of inheritance.
Cardiovascular phenotype. Identifiers: MedGen CN230736.

Allele frequency attached by ClinVar (database versions not stated): gnomAD exomes below 0.00001 and 0.00001; TOPMed below 0.00001; ExAC 0.00001.
gnomAD v4.1: 6 of 1,613,522 alleles (0.00037%); highest among the groups gnomAD compares: Non-Finnish European, 0.00051%; no homozygotes.

Submissions (6):

Labcorp Genetics (formerly Invitae), Labcorp
Classification: Uncertain significance for Arrhythmogenic right ventricular dysplasia 5. Last evaluated: 2025-05-13. Review status: criteria provided, single submitter. Criteria: Invitae Variant Classification Sherloc (09022015). Collection method: clinical testing. Allele origin: germline.
Comment: This sequence change replaces glycine, which is neutral and non-polar, with glutamic acid, which is acidic and polar, at codon 86 of the TMEM43 protein (p.Gly86Glu). This variant is present in population databases (rs771454768, gnomAD 0.0009%). This variant has not been reported in the literature in individuals affected with TMEM43-related conditions. ClinVar contains an entry for this variant (Variation ID: 918914). Invitae Evidence Modeling of protein sequence and biophysical properties (such as structural, functional, and spatial information, amino acid conservation, physicochemical variation, residue mobility, and thermodynamic stability) indicates that this missense variant is not expected to disrupt TMEM43 protein function with a negative predictive value of 80%. In summary, the available evidence is currently insufficient to determine the role of this variant in disease. Therefore, it has been classified as a Variant of Uncertain Significance.

GeneDx
Classification: Uncertain significance. Last evaluated: 2025-04-23. Review status: criteria provided, single submitter. Criteria: GeneDx Variant Classification Process June 2021. Collection method: clinical testing. Allele origin: germline. Affected: yes.
Comment: Not observed at significant frequency in large population cohorts (gnomAD); In silico analysis supports that this missense variant has a deleterious effect on protein structure/function; Has not been previously published as pathogenic or benign to our knowledge

Color Diagnostics, LLC DBA Color Health
Classification: Uncertain significance for Cardiomyopathy. Last evaluated: 2024-03-06. Review status: criteria provided, single submitter. Criteria: ACMG Guidelines, 2015. Collection method: clinical testing. Allele origin: germline.
Comment: This missense variant replaces glycine with glutamic acid at codon 86 of the TMEM43 protein. Computational prediction suggests that this variant may not impact protein structure and function (internally defined REVEL score threshold <= 0.5, PMID: 27666373). To our knowledge, functional studies have not been reported for this variant. This variant has not been reported in individuals affected with TMEM43-related disorders in the literature. This variant has been identified in 1/250562 chromosomes in the general population by the Genome Aggregation Database (gnomAD). The available evidence is insufficient to determine the role of this variant in disease conclusively. Therefore, this variant is classified as a Variant of Uncertain Significance.

All of Us Research Program, National Institutes of Health
Classification: Uncertain significance for Arrhythmogenic right ventricular dysplasia 5. Last evaluated: 2023-04-03. Review status: criteria provided, single submitter. Criteria: ACMG Guidelines, 2015. Collection method: clinical testing. Allele origin: germline. Inheritance: Autosomal dominant inheritance. Observed: 1 variant allele, 1 heterozygote.
Comment: Variant of Uncertain Significance due to insufficient evidence: This missense variant replaces glycine with glutamic acid at codon 86 of the TMEM43 protein. Computational prediction tools and conservation analyses are inconclusive regarding the impact of this variant on the protein function. Computational splicing tools suggest that this variant may not impact RNA splicing. To our knowledge, functional assays have not been performed for this variant nor has this variant been reported in individuals affected with cardiovascular disorders in the literature. This variant has been identified in 1/250562 chromosomes in the general population by the Genome Aggregation Database (gnomAD). Available evidence is insufficient to determine the role of this variant in disease conclusively.

This study involves interpretation of variants in research participants for the purpose of population health screening. Participant phenotype was not available at the time of variant classification. Additional details can be found in publication PMID: 35346344, PMCID: PMC8962531

Ambry Genetics
Classification: Uncertain significance for Cardiovascular phenotype. Last evaluated: 2021-10-19. Review status: criteria provided, single submitter. Criteria: Ambry Variant Classification Scheme 2023. Collection method: clinical testing. Allele origin: germline.
Comment: The p.G86E variant (also known as c.257G>A), located in coding exon 3 of the TMEM43 gene, results from a G to A substitution at nucleotide position 257. The glycine at codon 86 is replaced by glutamic acid, an amino acid with similar properties. This amino acid position is conserved. In addition, this alteration is predicted to be tolerated by in silico analysis. Since supporting evidence is limited at this time, the clinical significance of this alteration remains unclear.

Fulgent Genetics
Classification: Uncertain significance for Arrhythmogenic right ventricular dysplasia 5; Emery-Dreifuss muscular dystrophy 7, autosomal dominant; Auditory neuropathy, autosomal dominant 3. Last evaluated: 2021-10-19. Review status: criteria provided, single submitter. Criteria: ACMG Guidelines, 2015. Collection method: clinical testing. Allele origin: unknown.